The following is an entry in ClinVar:

ClinVar aggregate classification (germline): Uncertain significance. Review status: criteria provided, multiple submitters, no conflicts (2 of 4 stars). 2 submissions from 2 submitters: Uncertain significance (2). Last evaluated 2025-06-05.

Allele frequency attached by ClinVar (database versions not stated): ExAC 0.00012; gnomAD 0.00039; ESP Exome Variant Server 0.00046.
gnomAD v4.1: 96 of 1,614,092 alleles (0.0059%); highest among the groups gnomAD compares: African/African-American, 0.12%; no homozygotes.

Submissions (2):

Greenwood Genetic Center Diagnostic Laboratories, Greenwood Genetic Center
Classification: Uncertain significance. Last evaluated: 2025-06-05. Review status: criteria provided, single submitter. Criteria: ACMG Guidelines, 2015. Collection method: clinical testing. Allele origin: germline. Affected: yes.
Comment: BS1, PP3

Ambry Genetics
Classification: Uncertain significance. Last evaluated: 2024-11-23. Review status: criteria provided, single submitter. Criteria: Ambry Variant Classification Scheme 2023. Collection method: clinical testing. Allele origin: germline.

NM_005260.7(GDF9):c.356C>T (p.Pro119Leu)

Gene: GDF9 (growth differentiation factor 9; minus strand). Cytogenetic location: 5q31.1.
Variant type: single nucleotide variant.
Coding change: c.356C>T on transcript NM_005260.7 (MANE Select); coding-DNA position 356, C replaced by T.
Protein change: p.Pro119Leu; replaces proline 119 with leucine.
Molecular consequence: missense variant.
Genome position (GRCh38, 1-based): chr5:132,864,178, G>A on the plus strand (C>T on the coding strand, the complement: GDF9 is on the minus strand). VCF-style: chr5-132864178-G-A. GRCh37 (hg19) VCF-style: chr5-132199870-G-A.
Other names: c.92C>T, p.Pro31Leu (NM_001288824.4, NM_001288825.4, NM_001288826.3 and 2 more transcripts); short protein forms P31L, P119L.
Identifiers: ClinVar variation 2206023 (VCV002206023.4), dbSNP rs145888317, ClinGen allele CA3408321.